The following is an entry in ClinVar:

NM_004820.5(CYP7B1):c.473T>C (p.Met158Thr)

Gene: CYP7B1 (cytochrome P450 family 7 subfamily B member 1; minus strand). Cytogenetic location: 8q12.3.
Variant type: single nucleotide variant.
Coding change: c.473T>C on transcript NM_004820.5 (MANE Select); coding-DNA position 473, T replaced by C.
Protein change: p.Met158Thr; replaces methionine 158 with threonine.
Molecular consequence: missense variant.
Genome position (GRCh38, 1-based): chr8:64,616,068, A>G on the plus strand (T>C on the coding strand, the complement: CYP7B1 is on the minus strand). VCF-style: chr8-64616068-A-G. GRCh37 (hg19) VCF-style: chr8-65528625-A-G.
Other names: c.473T>C, p.Met158Thr (NM_001324112.2); c.473T>C (NM_004820.4); short protein forms M158T.
Identifiers: ClinVar variation 4009067 (VCV004009067.2).
Genomic context (GRCh38, chr8:64,616,068, plus strand): 5'-GCCGTGTCCCAACTTGTGGTTTTTAACAGCTGGGGTTCAAAAACTTGTTTTAGATTCTGC[A>G]TCATGCTTTCCAAGAGTATGTCCAAAGATTTGCCTTGCAAAAATTGATAGCAGAGGTGAA-3'
Protein context (NP_004811.1, residues 148-168): KSLDILLESM[Met158Thr]QNLKQVFEPQ

ClinVar aggregate classification (germline): Uncertain significance. Review status: criteria provided, multiple submitters, no conflicts (2 of 4 stars). 2 submissions from 2 submitters: Uncertain significance (2). Last evaluated 2026-03-03.

Conditions:
Inborn genetic diseases. Identifiers: MedGen C0950123, MeSH D030342.
CYP7B1-related disorder. Also called: CYP7B1-related condition.

Submissions (2):

PreventionGenetics, part of Exact Sciences
Classification: Uncertain significance for CYP7B1-related condition. Last evaluated: 2026-03-03. Review status: criteria provided, single submitter. Criteria: ACMG Guidelines, 2015. Collection method: clinical testing. Allele origin: germline.
Comment: The CYP7B1 c.473T>C variant is predicted to result in the amino acid substitution p.Met158Thr. To our knowledge, this variant has not been reported in the literature. This variant is reported in 0.0018% of alleles in individuals of European (Non-Finnish) descent in gnomAD. At this time, the clinical significance of this variant is uncertain due to the absence of conclusive functional and genetic evidence.

Ambry Genetics
Classification: Uncertain significance for Inborn genetic diseases. Last evaluated: 2025-04-13. Review status: criteria provided, single submitter. Criteria: Ambry Variant Classification Scheme 2023. Collection method: clinical testing. Allele origin: germline.